The following is an entry in ClinVar:

ClinVar aggregate classification (germline): Uncertain significance (1 of 4 stars; one submission).

Conditions:
PLXNA3-related disorder. Also called: PLXNA3-related condition.

gnomAD v4.1: 15 of 1,210,203 alleles (0.0012%); highest among the groups gnomAD compares: African/African-American, 0.0035%; no homozygotes.

Submission:

PreventionGenetics, part of Exact Sciences
Classification: Uncertain significance for PLXNA3-related condition. Last evaluated: 2026-02-11. Review status: criteria provided, single submitter. Criteria: ACMG Guidelines, 2015. Collection method: clinical testing. Allele origin: germline.
Comment: The PLXNA3 c.4906G>A variant is predicted to result in the amino acid substitution p.Asp1636Asn. To our knowledge, this variant has not been reported in the literature. This variant is reported in 0.0052% of alleles in individuals of African descent in gnomAD. At this time, the clinical significance of this variant is uncertain due to the absence of conclusive functional and genetic evidence.

NM_017514.5(PLXNA3):c.4906G>A (p.Asp1636Asn)

Gene: PLXNA3 (plexin A3; plus strand). Cytogenetic location: Xq28.
Variant type: single nucleotide variant.
Coding change: c.4906G>A on transcript NM_017514.5 (MANE Select); coding-DNA position 4906, G replaced by A.
Protein change: p.Asp1636Asn; replaces aspartic acid 1636 with asparagine.
Molecular consequence: missense variant.
Genome position (GRCh38, 1-based): chrX:154,470,087, G>A. VCF-style: chrX-154470087-G-A. GRCh37 (hg19) VCF-style: chrX-153698430-G-A.
Other names: short protein forms D1636N.
Identifiers: ClinVar variation 4983710 (VCV004983710.1).
Genomic context (GRCh38, chrX:154,470,087, plus strand): 5'-CCCATGATTACGCCTGACCAGGAGACAGGCACCAAATTGTGGCACCTGGTGAAAAACCAC[G>A]ACCATGCCGACCATCGCGAGGGGGACCGTGGCAGCAAGATGGTCTCCGAGATCTACCTGA-3'
Protein context (NP_059984.3, residues 1626-1646): TKLWHLVKNH[Asp1636Asn]HADHREGDRG